The following is an entry in ClinVar:

ClinVar aggregate classification (germline): Uncertain significance (1 of 4 stars; one submission).

Allele frequency attached by ClinVar (database versions not stated): gnomAD exomes below 0.00001; TOPMed below 0.00001; gnomAD 0.00001.

Submission:

Labcorp Genetics (formerly Invitae), Labcorp
Classification: Uncertain significance. Last evaluated: 2024-05-22. Review status: criteria provided, single submitter. Criteria: Invitae Variant Classification Sherloc (09022015). Collection method: clinical testing. Allele origin: germline.
Comment: This sequence change replaces alanine, which is neutral and non-polar, with threonine, which is neutral and polar, at codon 1862 of the MCM3AP protein (p.Ala1862Thr). This variant is not present in population databases (gnomAD no frequency). This variant has not been reported in the literature in individuals affected with MCM3AP-related conditions. ClinVar contains an entry for this variant (Variation ID: 2088958). An algorithm developed to predict the effect of missense changes on protein structure and function (PolyPhen-2) suggests that this variant¬†is likely to be tolerated. In summary, the available evidence is currently insufficient to determine the role of this variant in disease. Therefore, it has been classified as a Variant of Uncertain Significance.

NM_003906.5(MCM3AP):c.5584G>A (p.Ala1862Thr)

Genes: MCM3AP (minichromosome maintenance complex component 3 associated protein; minus strand), MCM3AP-AS1 (MCM3AP antisense RNA 1; plus strand). Cytogenetic location: 21q22.3.
Variant type: single nucleotide variant.
Coding change: c.5584G>A on transcript NM_003906.5 (MANE Select); coding-DNA position 5584, G replaced by A.
Protein change: p.Ala1862Thr; replaces alanine 1862 with threonine.
Molecular consequence: missense variant. On other transcripts: non-coding transcript variant (4).
Genome position (GRCh38, 1-based): chr21:46,240,860, C>T on the plus strand (G>A on the coding strand, the complement: MCM3AP is on the minus strand). VCF-style: chr21-46240860-C-T. GRCh37 (hg19) VCF-style: chr21-47660774-C-T.
Other names: short protein forms A1862T.
Identifiers: ClinVar variation 2088958 (VCV002088958.3), dbSNP rs1474484986, ClinGen allele CA410536461.
Genomic context (GRCh38, chr21:46,240,860, plus strand): 5'-GTGGGCTTCACCTCTTGTTCTCTTCTTTCTCCAGCAGCAGACTGCTCGACAAACACTGCG[C>T]CAAGAGCTCCTCAGCAGAAGCTCCTCGCATCAGATCCTCTGTGCTGGGAATCCTCCCCTC-3'
Protein context (NP_003897.2, residues 1852-1872): MRGASAEELL[Ala1862Thr]QCLSSSLLLE